The following is an entry in ClinVar:

NM_177531.6(PKHD1L1):c.338G>C (p.Arg113Thr)

Gene: PKHD1L1 (PKHD1 like 1; plus strand). Cytogenetic location: 8q23.1.
Variant type: single nucleotide variant.
Coding change: c.338G>C on transcript NM_177531.6 (MANE Select); coding-DNA position 338, G replaced by C.
Protein change: p.Arg113Thr; replaces arginine 113 with threonine.
Molecular consequence: missense variant.
Genome position (GRCh38, 1-based): chr8:109,382,492, G>C. VCF-style: chr8-109382492-G-C. GRCh37 (hg19) VCF-style: chr8-110394721-G-C.
Other names: short protein forms R113T.
Identifiers: ClinVar variation 4861986 (VCV004861986.1).

ClinVar aggregate classification (germline): Uncertain significance (1 of 4 stars; one submission).

gnomAD v4.1: 15 of 1,611,342 alleles (0.00093%); highest among the groups gnomAD compares: African/African-American, 0.02%; no homozygotes.

Submission:

Ambry Genetics
Classification: Uncertain significance. Last evaluated: 2026-04-15. Review status: criteria provided, single submitter. Criteria: Ambry Variant Classification Scheme 2023. Collection method: clinical testing. Allele origin: germline.
Comment: The c.338G>C (p.R113T) alteration is located in exon 4 (coding exon 4) of the PKHD1L1 gene. This alteration results from a G to C substitution at nucleotide position 338, causing the arginine (R) at amino acid position 113 to be replaced by a threonine (T). Based on data from gnomAD, the C allele has an overall frequency of 0.003% (7/246352) total alleles studied. The highest observed frequency was 0.046% (7/15300) of African alleles. Based on insufficient or conflicting evidence, the clinical significance of this alteration remains unclear.